The following is an entry in ClinVar:

ClinVar aggregate classification (germline): Uncertain significance (1 of 4 stars; one submission).

Conditions:
Fanconi anemia (FA). Also called: Fanconi's anemia. Identifiers: Orphanet 84, MedGen C0015625, MeSH D005199, MONDO:0019391.

Submission:

Labcorp Genetics (formerly Invitae), Labcorp
Classification: Uncertain significance for Fanconi anemia. Last evaluated: 2022-02-14. Review status: criteria provided, single submitter. Criteria: Invitae Variant Classification Sherloc (09022015). Collection method: clinical testing. Allele origin: germline.
Comment: This sequence change replaces aspartic acid, which is acidic and polar, with histidine, which is basic and polar, at codon 819 of the FANCA protein (p.Asp819His). This variant is not present in population databases (gnomAD no frequency). This variant has not been reported in the literature in individuals affected with FANCA-related conditions. Advanced modeling of protein sequence and biophysical properties (such as structural, functional, and spatial information, amino acid conservation, physicochemical variation, residue mobility, and thermodynamic stability) performed at Invitae indicates that this missense variant is not expected to disrupt FANCA protein function. In summary, the available evidence is currently insufficient to determine the role of this variant in disease. Therefore, it has been classified as a Variant of Uncertain Significance.

NM_000135.4(FANCA):c.2455G>C (p.Asp819His)

Gene: FANCA (FA complementation group A; minus strand). Cytogenetic location: 16q24.3.
Variant type: single nucleotide variant.
Coding change: c.2455G>C on transcript NM_000135.4 (MANE Select); coding-DNA position 2455, G replaced by C.
Protein change: p.Asp819His; replaces aspartic acid 819 with histidine.
Molecular consequence: missense variant.
Genome position (GRCh38, 1-based): chr16:89,769,886, C>G on the plus strand (G>C on the coding strand, the complement: FANCA is on the minus strand). VCF-style: chr16-89769886-C-G. GRCh37 (hg19) VCF-style: chr16-89836294-C-G.
Other names: c.2455G>C, p.Asp819His (NM_001286167.3); short protein forms D819H.
Identifiers: ClinVar variation 2097560 (VCV002097560.1), dbSNP rs2143332070, ClinGen allele CA397443289.